The following is an entry in ClinVar:

ClinVar aggregate classification (germline): Conflicting classifications of pathogenicity. Review status: criteria provided, conflicting classifications (1 of 4 stars). 6 submissions from 6 submitters: Pathogenic (1); Likely pathogenic (2); Uncertain significance (2). 1 of the submissions does not count toward it. Last evaluated 2024-06-12.

Conditions:
Neuronal ceroid lipofuscinosis. Also called: Neuronal Ceroid Lipofuscinoses. Identifiers: Orphanet 216, Orphanet 79263, MedGen C0027877, MONDO:0016295. Disease mechanism: loss of function.
Neuronal ceroid lipofuscinosis 5 (CLN5). Also called: Neuronal ceroid lipofuscinosis Finnish variant; NEURONAL CEROID LIPOFUSCINOSIS, LATE INFANTILE, FINNISH VARIANT; CEROID LIPOFUSCINOSIS, NEURONAL, 5, VARIABLE AGE AT ONSET; CLN5-Related Neuronal Ceroid-Lipofuscinosis. Identifiers: Orphanet 168491, Orphanet 228360, MedGen C1850442, MONDO:0009745, OMIM 256731.

Allele frequency attached by ClinVar (database versions not stated): TOPMed below 0.00001; ExAC 0.00001; gnomAD exomes 0.00001.
gnomAD v4.1: 4 of 1,614,080 alleles (0.00025%); highest among the groups gnomAD compares: Middle Eastern, 0.016%; no homozygotes.

Submissions (6):

Labcorp Genetics (formerly Invitae), Labcorp
Classification: Uncertain significance for Neuronal ceroid lipofuscinosis. Last evaluated: 2024-06-12. Review status: criteria provided, single submitter. Criteria: Invitae Variant Classification Sherloc (09022015). Collection method: clinical testing. Allele origin: germline.
Comment: This sequence change replaces aspartic acid, which is acidic and polar, with asparagine, which is neutral and polar, at codon 279 of the CLN5 protein (p.Asp279Asn). This variant is present in population databases (rs28940280, gnomAD 0.006%). This missense change has been observed in individual(s) with neuronal ceroid lipofuscinosis (PMID: 9662406, 16814585). ClinVar contains an entry for this variant (Variation ID: 2566). Advanced modeling of protein sequence and biophysical properties (such as structural, functional, and spatial information, amino acid conservation, physicochemical variation, residue mobility, and thermodynamic stability) performed at Invitae indicates that this missense variant is expected to disrupt CLN5 protein function with a positive predictive value of 80%. Experimental studies have shown that this missense change affects CLN5 function (PMID: 12134079, 20052765, 24058541, 26342652). In summary, the available evidence is currently insufficient to determine the role of this variant in disease. Therefore, it has been classified as a Variant of Uncertain Significance.

Fulgent Genetics
Classification: Likely pathogenic for Neuronal ceroid lipofuscinosis 5. Last evaluated: 2024-05-26. Review status: criteria provided, single submitter. Criteria: ACMG Guidelines, 2015. Collection method: clinical testing. Allele origin: germline.

Women's Health and Genetics/Laboratory Corporation of America, LabCorp
Classification: Uncertain significance. Last evaluated: 2024-05-23. Review status: criteria provided, single submitter. Criteria: LabCorp Variant Classification Summary - May 2015. Collection method: clinical testing. Allele origin: germline.
Comment: Variant summary: CLN5 c.688G>A (p.Asp230Asn), also reported as "c.835G>A (D279N)" results in a conservative amino acid change in the encoded protein sequence. Four of five in-silico tools predict a damaging effect of the variant on protein function. The variant allele was found at a frequency of 8e-06 in 251366 control chromosomes. c.688G>A has been reported individuals affected with Neuronal Ceroid-Lipofuscinosis (Batten Disease) (example, Bessa_2006, Savukoski_1998). These data indicate that the variant may be associated with disease. Multiple in vitro studies demonstrated variant impacts glycosylation, maturation, and localization of the protein (example, DeSilva_2015, Moharir_2013, Schmiedt_2010). The following publications have been ascertained in the context of this evaluation (PMID: 16814585, 26342652, 24058541, 9662406, 20052765). ClinVar contains an entry for this variant (Variation ID: 2566). Based on the evidence outlined above, the variant was classified as VUS-possibly pathogenic.

Genome-Nilou Lab
Classification: Likely pathogenic for Neuronal ceroid lipofuscinosis 5. Last evaluated: 2021-08-10. Review status: criteria provided, single submitter. Criteria: ACMG Guidelines, 2015. Collection method: clinical testing. Allele origin: germline. Affected: no.

Mendelics
Classification: Pathogenic for Neuronal ceroid lipofuscinosis 1. Last evaluated: 2019-05-28. Review status: criteria provided, single submitter. Criteria: Mendelics Assertion Criteria 2017. Collection method: clinical testing. Allele origin: unknown.

OMIM
Classification: Pathogenic for CEROID LIPOFUSCINOSIS, NEURONAL, 5. Last evaluated: 1998-07-01. Review status: no assertion criteria provided. Collection method: literature only. Allele origin: germline. Not counted in ClinVar's aggregate classification.

Literature cited by the submitters: PubMed 9662406 (cited by 3 submitters); PubMed 16814585 (cited by Labcorp Genetics (formerly Invitae), Labcorp and Women's Health and Genetics/Laboratory Corporation of America, LabCorp); PubMed 12134079 (cited by Labcorp Genetics (formerly Invitae), Labcorp); PubMed 20052765 (cited by Labcorp Genetics (formerly Invitae), Labcorp and Women's Health and Genetics/Laboratory Corporation of America, LabCorp); PubMed 24058541 (cited by Labcorp Genetics (formerly Invitae), Labcorp and Women's Health and Genetics/Laboratory Corporation of America, LabCorp); PubMed 26342652 (cited by Labcorp Genetics (formerly Invitae), Labcorp and Women's Health and Genetics/Laboratory Corporation of America, LabCorp).

NM_006493.4(CLN5):c.688G>A (p.Asp230Asn)

Gene: CLN5 (CLN5 lysosomal BMP synthase; plus strand). Cytogenetic location: 13q22.3.
Variant type: single nucleotide variant.
Coding change: c.688G>A on transcript NM_006493.4 (MANE Select); coding-DNA position 688, G replaced by A.
Protein change: p.Asp230Asn; replaces aspartic acid 230 with asparagine.
Molecular consequence: missense variant. On other transcripts: 3 prime UTR variant (1).
Genome position (GRCh38, 1-based): chr13:77,000,580, G>A. VCF-style: chr13-77000580-G-A. GRCh37 (hg19) VCF-style: chr13-77574715-G-A.
Other names: D279N; c.835G>A, p.Asp279Asn (LRG_692t1); c.*137G>A (NM_001366624.2); short protein forms D230N.
Identifiers: ClinVar variation 2566 (VCV000002566.14), dbSNP rs28940280, ClinGen allele CA252327.
Genomic context (GRCh38, chr13:77,000,580, plus strand): 5'-GAGACATGGAATGTAAAAGCCAGCCCAGAAAAGGGGGCAGAGACATGGTTTGATTCCTAC[G>A]ACTGTTCCAAATTTGTGTTAAGGACCTTTAACAAGTTGGCTGAATTTGGAGCAGAGTTCA-3'
Protein context (NP_006484.2, residues 220-240): KGAETWFDSY[Asp230Asn]CSKFVLRTFN